The following is an entry in ClinVar:

ClinVar aggregate classification (germline): Pathogenic. Review status: reviewed by expert panel (3 of 4 stars). 9 submissions from 9 submitters: Pathogenic (1). 8 of the submissions do not count toward it. Last evaluated 2020-05-19.

Conditions:
Glycogen storage disease, type II (IOPD). Also called: Pompe Disease; CARDIOMEGALIA GLYCOGENICA DIFFUSA; Glucosidase acid-1,4-alpha deficiency; GLYCOGENOSIS, GENERALIZED, CARDIAC FORM; GSD II; POMPE DISEASE, INFANTILE-ONSET. Identifiers: Orphanet 365, MedGen C0017921, MONDO:0009290, OMIM 232300.
GAA-related disorder. Also called: GAA-related condition.

gnomAD v4.1: 3 of 1,612,358 alleles (0.00019%); highest among the groups gnomAD compares: Admixed American, 0.0033%; no homozygotes.

Submissions (9):

ClinGen Lysosomal Storage Disorder Variant Curation Expert Panel
Classification: Pathogenic for Glycogen storage disease, type II. Last evaluated: 2020-05-19. Review status: reviewed by expert panel. Criteria: ClinGen LSD ACMG Specifications v1. Collection method: curation. Allele origin: germline. Inheritance: Autosomal recessive inheritance.
Comment: This variant, c.573C>A (p.Tyr191Ter), is a nonsense variant that is predicted to result in nonsense-mediated decay and lack of gene product, meeting PVS1. The highest population minor allele frequency in gnomAD v2.1.1 is 0.00003 in the Latino population, meeting PM2. Two patients meeting the ClinGen LSD VCEP's specifications for PP4 have been reported. These patients are compound heterozygous for the variant and either c.2173C>T (p.Arg725Trp) (PMID 18505979), or c.2646+2T>A (PMID 11738358). However, in both cases, the in trans data from these patients will be used in the classification of the other variant and was not included here in order to avoid a circular argument. Additional patients have been reported but were not included because the residual GAA activity was not reported and therefore PP4 cannot be assessed (PMIDs 25998610, 27711114, 30022036). There is a ClinVar entry for this variant (Variation ID: 370276; 1 star review status) with one submitter classifying the variant as likely pathogenic. In summary, this variant meets the criteria to be classified as pathogenic for Pompe disease. GAA-specific ACMG/AMP criteria applied, as specified by the ClinGen LSD VCEP: PVS1, PM2, PP4.

Genomenon, Inc
Classification: Pathogenic for Glycogen storage disease, type II. Last evaluated: 2026-07-01. Review status: criteria provided, single submitter. Criteria: Genomenon Sequence Variant Interpretation Standards - Updated. Collection method: curation. Allele origin: germline. Affected: yes. Not counted in ClinVar's aggregate classification.
Comment: GAA p.Tyr191Ter (c.573C>A) is a nonsense variant that introduces a premature stop codon at amino acid position 191 and is predicted to result in a truncated or absent protein product. This variant has been observed in at least one proband with a GAA-related disorder (PMID:34828739;27711114;18505979;11738358). It is absent or not present at a significant frequency in gnomAD. In conclusion, we classify GAA p.Tyr191Ter (c.573C>A) as a pathogenic variant.

Labcorp Genetics (formerly Invitae), Labcorp
Classification: Pathogenic for Glycogen storage disease, type II. Last evaluated: 2025-11-25. Review status: criteria provided, single submitter. Criteria: Invitae Variant Classification Sherloc (09022015). Collection method: clinical testing. Allele origin: germline. Not counted in ClinVar's aggregate classification.
Comment: This sequence change creates a premature translational stop signal (p.Tyr191*) in the GAA gene. It is expected to result in an absent or disrupted protein product. Loss-of-function variants in GAA are known to be pathogenic (PMID: 18425781, 22252923). This variant is present in population databases (no rsID available, gnomAD 0.003%). This premature translational stop signal has been observed in individual(s) with Pompe disease (PMID: 11738358, 30155607). ClinVar contains an entry for this variant (Variation ID: 370276). For these reasons, this variant has been classified as Pathogenic.

PreventionGenetics, part of Exact Sciences
Classification: Pathogenic for GAA-related condition. Last evaluated: 2025-06-18. Review status: criteria provided, single submitter. Criteria: ACMG Guidelines, 2015. Collection method: clinical testing. Allele origin: germline. Not counted in ClinVar's aggregate classification.
Comment: The GAA c.573C>A variant is predicted to result in premature protein termination (p.Tyr191*). This variant was reported in the compound heterozygous state in at least two patients with clinical and biochemical features consistent with Glycogen storage disease 2 (Fernandez-Hojas et al. 2002. PubMed ID: 11738358, Laforet et al. 2008. PubMed ID: 18505979). This variant is reported in 0.0029% of alleles in individuals of Latino descent in gnomAD. This variant is classified as pathogenic by the ClinGen Lysosomal Storage Disorder Variant Curation Expert Panel. Nonsense variants in GAA are expected to be pathogenic. This variant is interpreted as pathogenic.

Revvity Omics, Revvity
Classification: Pathogenic. Last evaluated: 2025-04-17. Review status: criteria provided, single submitter. Criteria: ACMG Guidelines, 2015. Collection method: clinical testing. Allele origin: germline. Not counted in ClinVar's aggregate classification.

Natera, Inc.
Classification: Pathogenic for Glycogen storage disease type II. Last evaluated: 2024-03-27. Review status: criteria provided, single submitter. Criteria: Natera Variant Classification Schema (03/2026). Collection method: clinical testing. Allele origin: germline. Not counted in ClinVar's aggregate classification.
Comment: The c.573C>A variant in GAA is a nonsense variant predicted to introduce a stop codon at amino acid 191. This variant is expected to result in nonsense mediated decay, truncation, or a dysfunctional protein product. This variant is rare in the general population with a frequency below the threshold expected for the associated phenotype(s). This variant has been observed in one or more individuals affected with the associated recessive disease, as either homozygous or compound heterozygous with a second variant (PMID: 11738358). Given the available evidence, this variant is classified as Pathogenic.

Fulgent Genetics
Classification: Pathogenic for Glycogen storage disease, type II. Last evaluated: 2024-02-21. Review status: criteria provided, single submitter. Criteria: ACMG Guidelines, 2015. Collection method: clinical testing. Allele origin: germline. Not counted in ClinVar's aggregate classification.

Broad Center for Mendelian Genomics, Broad Institute of MIT and Harvard
Classification: Pathogenic for Glycogen storage disease, type II. Last evaluated: 2020-01-22. Review status: criteria provided, single submitter. Criteria: ACMG Guidelines, 2015. Collection method: curation. Allele origin: germline. Inheritance: Autosomal recessive inheritance. Not counted in ClinVar's aggregate classification.
Comment: The p.Tyr191Ter variant in GAA has been reported in 3 Spanish and 1 French individuals with Glycogen Storage Disease II (PMID: 11738358, 18505979, 25998610), and has also been reported likely pathogenic by Counsyl in ClinVar (Variation ID: 370276). This variant has been identified in 0.003% (1/34578) of Latino chromosomes by the Genome Aggregation Database (gnomAD; dbSNP rs376229714). Although this variant has been seen in the general population, its frequency is low enough to be consistent with a recessive carrier frequency. This nonsense variant leads to a premature termination codon at position 191, which is predicted to lead to a truncated or absent protein. Loss of function of the GAA gene is an established disease mechanism in autosomal recessive Glycogen Storage Disease II. This variant has been seen in combination with other variants curated in individuals with Glycogen Storage Disease II (PMID: 11738358, 18505979). The phenotype of individuals compound heterozygous for this variant is highly specific for Glycogen Storage Disease II based on low GAA activity in patients consistent with disease (PMID: PMID: 18505979, 11738358). In summary, this variant meets criteria to be classified as pathogenic for Glycogen Storage Disease II in an autosomal recessive manner based on the predicted impact of the variant and low frequency in the general population. ACMG/AMP Criteria applied: PVS1, PP4, PM2 (Richards 2015).

Counsyl
Classification: Likely pathogenic for Glycogen storage disease, type II. Last evaluated: 2016-01-04. Review status: no assertion criteria provided. Collection method: clinical testing. Allele origin: unknown. Not counted in ClinVar's aggregate classification.

Literature cited by the submitters: PubMed 18505979 (cited by 3 submitters); PubMed 11738358 (cited by 5 submitters); PubMed 34828739 (cited by Genomenon, Inc); PubMed 27711114 (cited by Genomenon, Inc); PubMed 18425781 (cited by Labcorp Genetics (formerly Invitae), Labcorp); PubMed 22252923 (cited by Labcorp Genetics (formerly Invitae), Labcorp); PubMed 30155607 (cited by Labcorp Genetics (formerly Invitae), Labcorp); PubMed 25998610 (cited by Counsyl).

NM_000152.5(GAA):c.573C>A (p.Tyr191Ter)

Gene: GAA (alpha glucosidase; plus strand). Cytogenetic location: 17q25.3.
Variant type: single nucleotide variant.
Coding change: c.573C>A on transcript NM_000152.5 (MANE Select); coding-DNA position 573, C replaced by A.
Protein change: p.Tyr191Ter; replaces tyrosine 191 with a stop codon.
Molecular consequence: nonsense.
Genome position (GRCh38, 1-based): chr17:80,105,775, C>A. VCF-style: chr17-80105775-C-A. GRCh37 (hg19) VCF-style: chr17-78079574-C-A.
Other names: c.573C>A (LRG_673t1, NM_000152.4); c.573C>A, p.Tyr191Ter (NM_001079803.3, NM_001079804.3); short protein forms Y191*.
Identifiers: ClinVar variation 370276 (VCV000370276.32), dbSNP rs376229714, ClinGen allele CA16041885.
Genomic context (GRCh38, chr17:80,105,775, plus strand): 5'-GTGGGGAACATCAATAAACCCCCATCTCTTCTAGATCAAAGATCCAGCTAACAGGCGCTA[C>A]GAGGTGCCCTTGGAGACCCCGCATGTCCACAGCCGGGCACCGTCCCCACTCTACAGCGTG-3'